The following is an entry in ClinVar:

NM_012418.4(FSCN2):c.1312_1329del (p.Ser438_Gly443del)

Gene: FSCN2 (fascin actin-bundling protein 2, retinal; plus strand). Cytogenetic location: 17q25.3.
Variant type: Deletion.
Coding change: c.1312_1329del on transcript NM_012418.4 (MANE Select); coding-DNA positions 1312 to 1329, 18 bases deleted (AGCGTGTGCAGCGACGGC).
Protein change: p.Ser438_Gly443del.
Molecular consequence: inframe deletion.
Genome position (GRCh38, 1-based): chr17:81,536,913-81,536,930, AGCGTGTGCAGCGACGGC deleted; deleting any 18 consecutive bases within chr17:81,536,908-81,536,930 gives the same sequence; the c. name uses the placement nearest the transcript's 3' end. VCF-style (leftmost placement, unchanged base first): chr17-81536907-CACGGCAGCGTGTGCAGCG-C. GRCh37 (hg19) VCF-style: chr17-79503933-CACGGCAGCGTGTGCAGCG-C.
Other names: c.1384_1401del, p.Ser462_Gly467del (NM_001077182.3).
Identifiers: ClinVar variation 197714 (VCV000197714.14), dbSNP rs753094983, ClinGen allele CA246011.

ClinVar aggregate classification (germline): Uncertain significance. Review status: criteria provided, multiple submitters, no conflicts (2 of 4 stars). 2 submissions from 2 submitters: Uncertain significance (2). Last evaluated 2025-09-08.

Submissions (2):

Labcorp Genetics (formerly Invitae), Labcorp
Classification: Uncertain significance. Last evaluated: 2025-09-08. Review status: criteria provided, single submitter. Criteria: Invitae Variant Classification Sherloc (09022015). Collection method: clinical testing. Allele origin: germline.
Comment: This variant, c.1384_1401del, results in the deletion of 6 amino acid(s) of the FSCN2 protein (p.Ser462_Gly467del), but otherwise preserves the integrity of the reading frame. The frequency data for this variant in the population databases is considered unreliable, as metrics indicate poor data quality at this position in the gnomAD database. This variant has not been reported in the literature in individuals affected with FSCN2-related conditions. ClinVar contains an entry for this variant (Variation ID: 197714). Experimental studies and prediction algorithms are not available or were not evaluated, and the functional significance of this variant is currently unknown. In summary, the available evidence is currently insufficient to determine the role of this variant in disease. Therefore, it has been classified as a Variant of Uncertain Significance.

Eurofins Ntd Llc (ga)
Classification: Uncertain significance. Last evaluated: 2014-10-28. Review status: criteria provided, single submitter. Criteria: EGL Classification Definitions 2015. Collection method: clinical testing. Allele origin: germline. Observed: 1 variant allele, 1 heterozygote.